The following is an entry in ClinVar:

ClinVar aggregate classification (germline): Pathogenic (1 of 4 stars; one submission).

Conditions:
Hyperornithinemia-hyperammonemia-homocitrullinuria syndrome (HHHS). Also called: Ornithine translocase deficiency; HHH SYNDROME. Identifiers: Orphanet 415, MedGen C0268540, MONDO:0009393, OMIM 238970.

Submission:

Labcorp Genetics (formerly Invitae), Labcorp
Classification: Pathogenic for Hyperornithinemia-hyperammonemia-homocitrullinuria syndrome. Last evaluated: 2020-10-27. Review status: criteria provided, single submitter. Criteria: Invitae Variant Classification Sherloc (09022015). Collection method: clinical testing. Allele origin: germline.
Comment: This variant is a gross deletion of the genomic region encompassing exon(s) 4-7 of the SLC25A15 gene. The 5' boundary is likely confined to intron 3. The 3' end of this event is unknown as it extends through the termination codon beyond the assayed region for this gene and may encompass additional genes. While this deletion is not anticipated to result in nonsense mediated decay, it is expected to create a truncated protein product or disrupt mRNA translation. This variant has been observed in individual(s) with hyperornithinemia-hyperammonemia-homocitrullinuria syndrome (Invitae). This variant disrupts the C-terminus of the SLC25A15 protein. Other variant(s) that disrupt this region (p.Met137Cysfs*10) have been determined to be pathogenic (PMID: 10805333, 11355015, 12807890, 19242930, 24473688). This suggests that variants that disrupt this region of the protein are likely to be causative of disease. For these reasons, this variant has been classified as Pathogenic.

Literature cited by the submitters: PubMed 10805333; PubMed 11355015; PubMed 12807890; PubMed 19242930; PubMed 24473688.

NC_000013.10:g.(?_41379234)_(41383803_?)del

Gene: SLC25A15 (solute carrier family 25 member 15; plus strand). Cytogenetic location: 13q14.11.
Variant type: Deletion.
Identifiers: ClinVar variation 1071975 (VCV001071975.1).